The following is an entry in ClinVar:

NM_006267.5(RANBP2):c.2243C>T (p.Ser748Leu)

Gene: RANBP2 (RAN binding protein 2; plus strand). Cytogenetic location: 2q13.
Variant type: single nucleotide variant.
Coding change: c.2243C>T on transcript NM_006267.5 (MANE Select); coding-DNA position 2243, C replaced by T.
Protein change: p.Ser748Leu; replaces serine 748 with leucine.
Molecular consequence: missense variant.
Genome position (GRCh38, 1-based): chr2:108,754,945, C>T. VCF-style: chr2-108754945-C-T. GRCh37 (hg19) VCF-style: chr2-109371401-C-T.
Other names: short protein forms S748L.
Identifiers: ClinVar variation 469438 (VCV000469438.36), dbSNP rs200940828, ClinGen allele CA1822612.

ClinVar aggregate classification (germline): Benign/Likely benign. Review status: criteria provided, multiple submitters, no conflicts (2 of 4 stars). 3 submissions from 3 submitters: Benign (1); Likely benign (2). Last evaluated 2024-10-17.

Conditions:
Familial acute necrotizing encephalopathy (IIAE3). Also called: Susceptibility to Acute Necrotizing Encephalopathy 1; ENCEPHALOPATHY, ACUTE, INFECTION-INDUCED, SUSCEPTIBILITY TO, 3. Identifiers: Orphanet 88619, MedGen C2675556, MONDO:0011953, OMIM 608033.

Allele frequency attached by ClinVar (database versions not stated): ESP Exome Variant Server 0.00023; ExAC 0.00042; 1000 Genomes Project 30x 0.00047; gnomAD exomes 0.00050 and 0.00094; 1000 Genomes Project 0.00060; gnomAD 0.00068 and 0.00072; TOPMed 0.00084.
gnomAD v4.1: 1,460 of 1,611,732 alleles (0.091%); highest among the groups gnomAD compares: Admixed American, 0.12%; no homozygotes.

Submissions (3):

Blueprint Genetics
Classification: Likely benign. Last evaluated: 2024-10-17. Review status: criteria provided, single submitter. Criteria: ACMG Guidelines, 2015. Collection method: clinical testing. Allele origin: germline.

CeGaT Center for Human Genetics Tuebingen
Classification: Benign. Last evaluated: 2024-04-01. Review status: criteria provided, single submitter. Criteria: CeGaT Center For Human Genetics Tuebingen Variant Classification Criteria Version 2. Collection method: clinical testing. Allele origin: germline. Affected: yes. Observed: 3 variant alleles.
Comment: RANBP2: BS1, BS2

Labcorp Genetics (formerly Invitae), Labcorp
Classification: Likely benign for Familial acute necrotizing encephalopathy. Last evaluated: 2024-02-23. Review status: criteria provided, single submitter. Criteria: Invitae Variant Classification Sherloc (09022015). Collection method: clinical testing. Allele origin: germline.